The following is an entry in ClinVar:

NM_006035.4(CDC42BPB):c.2949G>A (p.Ala983=)

Gene: CDC42BPB (CDC42 binding protein kinase beta; minus strand). Cytogenetic location: 14q32.32.
Variant type: single nucleotide variant.
Coding change: c.2949G>A on transcript NM_006035.4 (MANE Select); coding-DNA position 2949, G replaced by A.
Protein change: p.Ala983=; no amino-acid change (alanine 983 retained).
Molecular consequence: synonymous variant.
Genome position (GRCh38, 1-based): chr14:102,954,641, C>T on the plus strand (G>A on the coding strand, the complement: CDC42BPB is on the minus strand). VCF-style: chr14-102954641-C-T. GRCh37 (hg19) VCF-style: chr14-103420978-C-T.
Other names: c.2949G>A, p.Ala983= (NM_001411054.1).
Identifiers: ClinVar variation 3057416 (VCV003057416.2), dbSNP rs149077999, ClinGen allele CA7360895.
Genomic context (GRCh38, chr14:102,954,641, plus strand): 5'-ACCAGGGCAACGCTGTCTCACCTCCTGCTGCTCTGATGCAGCCACAGACATCGACGGGGA[C>T]GCTTCTGGCTTCGGAGCTTGTGTTTCTTGCTCACTAGCTGAGCTGGTCTGTGAGAACCAA-3'
Protein context (NP_006026.3, residues 973-993): EQETQAPKPE[Ala983=]SPSMSVAASE

ClinVar aggregate classification (germline): Likely benign (0 of 4 stars; one submission).

Conditions:
CDC42BPB-related disorder.

Allele frequency attached by ClinVar (database versions not stated): ESP Exome Variant Server 0.00023; 1000 Genomes Project 30x 0.00031.
gnomAD v4.1: 496 of 1,613,992 alleles (0.031%); highest among the groups gnomAD compares: Non-Finnish European, 0.039%; no homozygotes.

Submission:

PreventionGenetics, part of Exact Sciences
Classification: Likely benign for CDC42BPB-related condition. Last evaluated: 2020-03-19. Review status: no assertion criteria provided. Collection method: clinical testing. Allele origin: germline.
Comment: This variant is classified as likely benign based on ACMG/AMP sequence variant interpretation guidelines (Richards et al. 2015 PMID: 25741868, with internal and published modifications).